The following is an entry in ClinVar:

NM_030665.4(RAI1):c.314G>A (p.Ser105Asn)

Gene: RAI1 (retinoic acid induced 1; plus strand). Cytogenetic location: 17p11.2.
Variant type: single nucleotide variant.
Coding change: c.314G>A on transcript NM_030665.4 (MANE Select); coding-DNA position 314, G replaced by A.
Protein change: p.Ser105Asn; replaces serine 105 with asparagine.
Molecular consequence: missense variant.
Genome position (GRCh38, 1-based): chr17:17,793,262, G>A. VCF-style: chr17-17793262-G-A. GRCh37 (hg19) VCF-style: chr17-17696576-G-A.
Other names: short protein forms S105N.
Identifiers: ClinVar variation 4991638 (VCV004991638.1).

ClinVar aggregate classification (germline): Uncertain significance (1 of 4 stars; one submission).

Conditions:
RAI1-related disorder. Also called: RAI1-related condition.

Submission:

PreventionGenetics, part of Exact Sciences
Classification: Uncertain significance for RAI1-related condition. Last evaluated: 2025-12-23. Review status: criteria provided, single submitter. Criteria: ACMG Guidelines, 2015. Collection method: clinical testing. Allele origin: germline.
Comment: The RAI1 c.314G>A variant is predicted to result in the amino acid substitution p.Ser105Asn. To our knowledge, this variant has not been reported in the literature or in a large population database (gnomAD), indicating this variant is rare. At this time, the clinical significance of this variant is uncertain due to the absence of conclusive functional and genetic evidence.